The following is an entry in ClinVar:

NM_000257.4(MYH7):c.1291G>A (p.Val431Met)

Gene: MYH7 (myosin heavy chain 7; minus strand). Cytogenetic location: 14q11.2.
Variant type: single nucleotide variant.
Coding change: c.1291G>A on transcript NM_000257.4 (MANE Select); coding-DNA position 1291, G replaced by A.
Protein change: p.Val431Met; replaces valine 431 with methionine.
Molecular consequence: missense variant.
Genome position (GRCh38, 1-based): chr14:23,429,071, C>T on the plus strand (G>A on the coding strand, the complement: MYH7 is on the minus strand). VCF-style: chr14-23429071-C-T. GRCh37 (hg19) VCF-style: chr14-23898280-C-T.
Other names: short protein forms V431M.
Identifiers: ClinVar variation 132927 (VCV000132927.9), dbSNP rs606231322, ClinGen allele CA010484.

ClinVar aggregate classification (germline): Uncertain significance. Review status: criteria provided, multiple submitters, no conflicts (2 of 4 stars). 3 submissions from 3 submitters: Uncertain significance (2). 1 of the submissions does not count toward it. Last evaluated 2021-12-11.

Conditions:
Cardiovascular phenotype. Identifiers: MedGen CN230736.
Familial cardiomyopathy. Identifiers: MedGen C0264789, MONDO:0005217.
Hypertrophic cardiomyopathy. Also called: HYPERTROPHIC MYOCARDIOPATHY. Identifiers: Orphanet 217569, MedGen C0007194, MeSH D002312, MONDO:0005045, HP:0001639.

Allele frequency attached by ClinVar (database versions not stated): gnomAD exomes below 0.00001.
gnomAD v4.1: 2 of 1,614,224 alleles (0.00012%); highest among the groups gnomAD compares: Non-Finnish European, 0.00017%; no homozygotes.

Submissions (3):

Labcorp Genetics (formerly Invitae), Labcorp
Classification: Uncertain significance for Hypertrophic cardiomyopathy. Last evaluated: 2021-12-11. Review status: criteria provided, single submitter. Criteria: Invitae Variant Classification Sherloc (09022015). Collection method: clinical testing. Allele origin: germline.
Comment: This sequence change replaces valine, which is neutral and non-polar, with methionine, which is neutral and non-polar, at codon 431 of the MYH7 protein (p.Val431Met). This variant is not present in population databases (gnomAD no frequency). This variant has not been reported in the literature in individuals affected with MYH7-related conditions. ClinVar contains an entry for this variant (Variation ID: 132927). Algorithms developed to predict the effect of missense changes on protein structure and function output the following: SIFT: "Deleterious"; PolyPhen-2: "Possibly Damaging"; Align-GVGD: "Class C0". The methionine amino acid residue is found in multiple mammalian species, which suggests that this missense change does not adversely affect protein function. This variant is found within a region of MYH7 between codons 181 and 937 that contains the majority of the myosin head domain. Missense variants in this region have been shown to be significantly overrepresented in individuals with hypertrophic cardiomyopathy (PMID: 27532257). In summary, the available evidence is currently insufficient to determine the role of this variant in disease. Therefore, it has been classified as a Variant of Uncertain Significance.

Ambry Genetics
Classification: Uncertain significance for Cardiovascular phenotype. Last evaluated: 2018-10-01. Review status: criteria provided, single submitter. Criteria: Ambry Variant Classification Scheme 2023. Collection method: clinical testing. Allele origin: germline.
Comment: The p.V431M variant (also known as c.1291G>A), located in coding exon 12 of the MYH7 gene, results from a G to A substitution at nucleotide position 1291. The valine at codon 431 is replaced by methionine, an amino acid with highly similar properties. Another variant affecting this codon (p.V431L, c.1291G>C) has been detected in a hypertrophic cardiomyopathy cohort (Homburger JR et al. Proc Natl Acad Sci USA. 2016;113:6701-6). This amino acid position is well conserved in available vertebrate species; however, methionine is the reference amino acid in other vertebrate species. In addition, the in silico prediction for this alteration is inconclusive. Since supporting evidence is limited at this time, the clinical significance of this alteration remains unclear.

Evolutionary and Medical Genetics Laboratory,  Centre for Cellular and Molecular Biology
Classification: Likely pathogenic. Review status: no assertion criteria provided. Collection method: not provided. Allele origin: unknown. Not counted in ClinVar's aggregate classification.
Comment: Missense mutation/Non-synonymous
ClinVar note: Converted during submission from probable-pathogenic to Likely pathogenic.

Literature cited by the submitters: PubMed 27532257 (cited by Labcorp Genetics (formerly Invitae), Labcorp); PubMed 27247418 (cited by Ambry Genetics).